The following is an entry in ClinVar:

Conditions:
Long QT syndrome 5 (LQT5). Identifiers: Orphanet 101016, Orphanet 768, MedGen C1867904, MONDO:0013372, OMIM 613695.

Submission:

Roden Lab, Vanderbilt University Medical Center
No classification provided (evidence only). Condition: Long QT syndrome 5. Review status: no classification provided. Collection method: in vitro. Allele origin: not applicable. Functional consequence: Effect on ion channel function.
ClinVar note: "not provided" was previously submitted as the classification for the variant. However, the classification appeared to be based only on an observation of functional data so it was converted to no classification on 2025-07-30.

NM_000219.6(KCNE1):c.260G>T (p.Trp87Leu)

Gene: KCNE1 (potassium voltage-gated channel subfamily E regulatory subunit 1; minus strand). Cytogenetic location: 21q22.12.
Variant type: single nucleotide variant.
Coding change: c.260G>T on transcript NM_000219.6 (MANE Select); coding-DNA position 260, G replaced by T.
Protein change: p.Trp87Leu; replaces tryptophan 87 with leucine.
Molecular consequence: missense variant.
Genome position (GRCh38, 1-based): chr21:34,449,375, C>A on the plus strand (G>T on the coding strand, the complement: KCNE1 is on the minus strand). VCF-style: chr21-34449375-C-A. GRCh37 (hg19) VCF-style: chr21-35821673-C-A.
Other names: c.260G>T, p.Trp87Leu (NM_001127668.4, NM_001127669.4, NM_001127670.4 and 4 more transcripts); short protein forms W87L.
Identifiers: ClinVar variation 3374467 (VCV003374467.2).